The following is an entry in ClinVar:

ClinVar aggregate classification (germline): Uncertain significance. Review status: criteria provided, multiple submitters, no conflicts (2 of 4 stars). 3 submissions from 3 submitters: Uncertain significance (2). 1 of the submissions does not count toward it. Last evaluated 2025-04-13.

Conditions:
Noonan syndrome 1 (NS1). Also called: FEMALE PSEUDO-TURNER SYNDROME; TURNER PHENOTYPE WITH NORMAL KARYOTYPE; PTPN11-Related Noonan Syndrome. Identifiers: Orphanet 648, MedGen C4551602, MONDO:0008104, OMIM 163950. Disease mechanism: gain of function.

Allele frequency attached by ClinVar (database versions not stated): gnomAD exomes 0.00001; TOPMed 0.00002.
gnomAD v4.1: 7 of 1,613,830 alleles (0.00043%); highest among the groups gnomAD compares: African/African-American, 0.0013%; no homozygotes.

Submissions (3):

Ambry Genetics
Classification: Uncertain significance. Last evaluated: 2025-04-13. Review status: criteria provided, single submitter. Criteria: Ambry Variant Classification Scheme 2023. Collection method: clinical testing. Allele origin: germline.
Comment: The p.N1133H variant (also known as c.3397A>C), located in coding exon 28 of the A2ML1 gene, results from an A to C substitution at nucleotide position 3397. The asparagine at codon 1133 is replaced by histidine, an amino acid with similar properties. This amino acid position is conserved. In addition, this alteration is predicted to be tolerated by in silico analysis. Since supporting evidence is limited at this time, the clinical significance of this alteration remains unclear.

Labcorp Genetics (formerly Invitae), Labcorp
Classification: Uncertain significance. Last evaluated: 2023-07-29. Review status: criteria provided, single submitter. Criteria: Invitae Variant Classification Sherloc (09022015). Collection method: clinical testing. Allele origin: germline.
Comment: This sequence change replaces asparagine, which is neutral and polar, with histidine, which is basic and polar, at codon 1133 of the A2ML1 protein (p.Asn1133His). This variant is present in population databases (no rsID available, gnomAD 0.002%). This variant has not been reported in the literature in individuals affected with A2ML1-related conditions. ClinVar contains an entry for this variant (Variation ID: 559445). An algorithm developed to predict the effect of missense changes on protein structure and function (PolyPhen-2) suggests that this variant is likely to be disruptive. In summary, the available evidence is currently insufficient to determine the role of this variant in disease. Therefore, it has been classified as a Variant of Uncertain Significance.

Clinical Molecular Genetics Laboratory, Johns Hopkins All Children's Hospital
Classification: Uncertain significance for Noonan syndrome 1. Last evaluated: 2018-08-03. Review status: no assertion criteria provided. Collection method: clinical testing. Allele origin: germline. Inheritance: Autosomal dominant inheritance. Affected: yes. Observed: 1 variant allele, 1 heterozygote. Not counted in ClinVar's aggregate classification.

NM_144670.6(A2ML1):c.3397A>C (p.Asn1133His)

Gene: A2ML1 (alpha-2-macroglobulin like 1; plus strand). Cytogenetic location: 12p13.31.
Variant type: single nucleotide variant.
Coding change: c.3397A>C on transcript NM_144670.6 (MANE Select); coding-DNA position 3397, A replaced by C.
Protein change: p.Asn1133His; replaces asparagine 1133 with histidine.
Molecular consequence: missense variant.
Genome position (GRCh38, 1-based): chr12:8,861,192, A>C. VCF-style: chr12-8861192-A-C. GRCh37 (hg19) VCF-style: chr12-9013788-A-C.
Other names: c.3397A>C (NM_144670.3); c.1924A>C, p.Asn642His (NM_001282424.3); short protein forms N1133H, N642H.
Identifiers: ClinVar variation 559445 (VCV000559445.7), dbSNP rs1466413438, ClinGen allele CA383840593.